The following is an entry in ClinVar:

ClinVar aggregate classification (germline): Likely benign (1 of 4 stars; one submission).

Submission:

CeGaT Center for Human Genetics Tuebingen
Classification: Likely benign. Last evaluated: 2026-05-01. Review status: criteria provided, single submitter. Criteria: CeGaT Center For Human Genetics Tuebingen Variant Classification Criteria Version 2. Collection method: clinical testing. Allele origin: germline. Affected: yes. Observed: 1 variant allele.
Comment: FOXJ1: BP4, BP7

NM_001454.4(FOXJ1):c.327C>A (p.Pro109=)

Gene: FOXJ1 (forkhead box J1; minus strand). Cytogenetic location: 17q25.1.
Variant type: single nucleotide variant.
Coding change: c.327C>A on transcript NM_001454.4 (MANE Select); coding-DNA position 327, C replaced by A.
Protein change: p.Pro109=; no amino-acid change (proline 109 retained).
Molecular consequence: synonymous variant.
Genome position (GRCh38, 1-based): chr17:76,140,069, G>T on the plus strand (C>A on the coding strand, the complement: FOXJ1 is on the minus strand). VCF-style: chr17-76140069-G-T. GRCh37 (hg19) VCF-style: chr17-74136150-G-T.
Identifiers: ClinVar variation 4872005 (VCV004872005.2).